The following is an entry in ClinVar:

NM_006208.3(ENPP1):c.2314A>C (p.Ile772Leu)

Gene: ENPP1 (ectonucleotide pyrophosphatase/phosphodiesterase 1; plus strand). Cytogenetic location: 6q23.2.
Variant type: single nucleotide variant.
Coding change: c.2314A>C on transcript NM_006208.3 (MANE Select); coding-DNA position 2314, A replaced by C.
Protein change: p.Ile772Leu; replaces isoleucine 772 with leucine.
Molecular consequence: missense variant.
Genome position (GRCh38, 1-based): chr6:131,884,933, A>C. VCF-style: chr6-131884933-A-C. GRCh37 (hg19) VCF-style: chr6-132206073-A-C.
Other names: short protein forms I772L.
Identifiers: ClinVar variation 3606719 (VCV003606719.2).

ClinVar aggregate classification (germline): Uncertain significance (1 of 4 stars; one submission).

Submission:

Labcorp Genetics (formerly Invitae), Labcorp
Classification: Uncertain significance. Last evaluated: 2025-09-14. Review status: criteria provided, single submitter. Criteria: Invitae Variant Classification Sherloc (09022015). Collection method: clinical testing. Allele origin: germline.
Comment: This sequence change replaces isoleucine, which is neutral and non-polar, with leucine, which is neutral and non-polar, at codon 772 of the ENPP1 protein (p.Ile772Leu). This variant is present in population databases (rs764616272, gnomAD 0.01%). This variant has not been reported in the literature in individuals affected with ENPP1-related conditions. ClinVar contains an entry for this variant (Variation ID: 3606719). An algorithm developed to predict the effect of missense changes on protein structure and function (PolyPhen-2) suggests that this variant is likely to be tolerated. In summary, the available evidence is currently insufficient to determine the role of this variant in disease. Therefore, it has been classified as a Variant of Uncertain Significance.